The following is an entry in ClinVar:

NM_007327.4(GRIN1):c.334G>A (p.Gly112Ser)

Gene: GRIN1 (glutamate ionotropic receptor NMDA type subunit 1; plus strand). Cytogenetic location: 9q34.3.
Variant type: single nucleotide variant.
Coding change: c.334G>A on transcript NM_007327.4 (MANE Select); coding-DNA position 334, G replaced by A.
Protein change: p.Gly112Ser; replaces glycine 112 with serine.
Molecular consequence: missense variant.
Genome position (GRCh38, 1-based): chr9:137,142,088, G>A. VCF-style: chr9-137142088-G-A. GRCh37 (hg19) VCF-style: chr9-140036540-G-A.
Other names: c.334G>A, p.Gly112Ser (NM_000832.7, NM_001185090.2, NM_001185091.2 and 1 more transcripts); c.334G>A (NM_007327.3); short protein forms G112S.
Identifiers: ClinVar variation 1060770 (VCV001060770.10), dbSNP rs762157647, ClinGen allele CA201728581.

ClinVar aggregate classification (germline): Uncertain significance. Review status: criteria provided, multiple submitters, no conflicts (2 of 4 stars). 2 submissions from 2 submitters: Uncertain significance (2). Last evaluated 2023-08-31.

Conditions:
Neurodevelopmental disorder with or without hyperkinetic movements and seizures, autosomal dominant. Also called: Intellectual disability, autosomal dominant 8. Identifiers: MedGen C3280282, MONDO:0013655, OMIM 614254.

Allele frequency attached by ClinVar (database versions not stated): gnomAD exomes below 0.00001.

Submissions (2):

Women's Health and Genetics/Laboratory Corporation of America, LabCorp
Classification: Uncertain significance. Last evaluated: 2023-08-31. Review status: criteria provided, single submitter. Criteria: LabCorp Variant Classification Summary - May 2015. Collection method: clinical testing. Allele origin: germline.
Comment: Variant summary: GRIN1 c.334G>A (p.Gly112Ser) results in a non-conservative amino acid change located in the ligand binding region (IPR001828) of the encoded protein sequence. Five of five in-silico tools predict a damaging effect of the variant on protein function. The variant allele was found at a frequency of 6.6e-06 in 150964 control chromosomes (gnomAD v3.1, genomes dataset). The available data on variant occurrences in the general population are insufficient to allow any conclusion about variant significance. To our knowledge, no occurrence of c.334G>A in individuals affected with Neurodevelopmental Disorder With Or Without Hyperkinetic Movements And Seizures, Autosomal Dominant and no experimental evidence demonstrating its impact on protein function have been reported. One submitter has cited clinical-significance assessments for this variant to ClinVar after 2014 and has classified the variant as uncertain significance. Based on the evidence outlined above, the variant was classified as uncertain significance.

Labcorp Genetics (formerly Invitae), Labcorp
Classification: Uncertain significance for Neurodevelopmental disorder with or without hyperkinetic movements and seizures, autosomal dominant. Last evaluated: 2020-05-04. Review status: criteria provided, single submitter. Criteria: Invitae Variant Classification Sherloc (09022015). Collection method: clinical testing. Allele origin: germline.
Comment: This variant is not present in population databases (ExAC no frequency). This sequence change replaces glycine with serine at codon 112 of the GRIN1 protein (p.Gly112Ser). The glycine residue is highly conserved and there is a small physicochemical difference between glycine and serine. This variant has not been reported in the literature in individuals with GRIN1-related conditions. Algorithms developed to predict the effect of missense changes on protein structure and function (SIFT, PolyPhen-2, Align-GVGD) all suggest that this variant is likely to be disruptive, but these predictions have not been confirmed by published functional studies and their clinical significance is uncertain. In summary, the available evidence is currently insufficient to determine the role of this variant in disease. Therefore, it has been classified as a Variant of Uncertain Significance.